The following is an entry in ClinVar:

NM_014727.3(KMT2B):c.3869G>A (p.Arg1290His)

Gene: KMT2B (lysine methyltransferase 2B; plus strand). Cytogenetic location: 19q13.12.
Variant type: single nucleotide variant.
Coding change: c.3869G>A on transcript NM_014727.3 (MANE Select); coding-DNA position 3869, G replaced by A.
Protein change: p.Arg1290His; replaces arginine 1290 with histidine.
Molecular consequence: missense variant.
Genome position (GRCh38, 1-based): chr19:35,725,802, G>A. VCF-style: chr19-35725802-G-A. GRCh37 (hg19) VCF-style: chr19-36216703-G-A.
Other names: short protein forms R1290H.
Identifiers: ClinVar variation 3777489 (VCV003777489.2).

ClinVar aggregate classification (germline): Uncertain significance (1 of 4 stars; one submission).

gnomAD v4.1: 9 of 1,581,138 alleles (0.00057%); highest among the groups gnomAD compares: Admixed American, 0.0018%; no homozygotes.

Submission:

GeneDx
Classification: Uncertain significance. Last evaluated: 2025-05-03. Review status: criteria provided, single submitter. Criteria: GeneDx Variant Classification Process June 2021. Collection method: clinical testing. Allele origin: germline.
Comment: Not observed at significant frequency in large population cohorts (gnomAD); In silico analysis supports that this missense variant has a deleterious effect on protein structure/function; Has not been previously published as pathogenic or benign to our knowledge